The following is an entry in ClinVar:

NM_007294.4(BRCA1):c.3416_3427delinsC (p.Ser1139fs)

Genes: BRCA1 (BRCA1 DNA repair associated; minus strand), LOC126862571 (BRD4-independent group 4 enhancer GRCh37_chr17:41243136-41244335; plus strand). Cytogenetic location: 17q21.31.
Variant type: Indel.
Coding change: c.3416_3427delinsC on transcript NM_007294.4 (MANE Select); coding-DNA positions 3416 to 3427, GTAGTCATGCAT replaced by C.
Protein change: p.Ser1139fs; shifts the reading frame from serine 1139.
Molecular consequence: frameshift variant. On other transcripts: intron variant (135).
Genome position (GRCh38, 1-based): chr17:43,092,104-43,092,115, ATGCATGACTAC replaced by G on the plus strand (GTAGTCATGCAT replaced by C on the coding strand, the reverse complement: BRCA1 is on the minus strand). VCF-style: chr17-43092104-ATGCATGACTAC-G. GRCh37 (hg19) VCF-style: chr17-41244121-ATGCATGACTAC-G.
Other names: 3535del12insC; c.3416_3427delinsC, p.Ser1139fs (NM_001407593.1, NM_001407594.1, NM_001407596.1 and 30 more transcripts); c.3413_3424delinsC, p.Ser1138fs (NM_001407610.1, NM_001407611.1, NM_001407612.1 and 22 more transcripts); c.3407_3418delinsC, p.Ser1136fs (NM_001407646.1, NM_001407647.1); c.3293_3304delinsC, p.Ser1098fs (NM_001407648.1, NM_001407664.1, NM_001407665.1 and 19 more transcripts); c.3290_3301delinsC, p.Ser1097fs (NM_001407649.1, NM_001407670.1, NM_001407671.1 and 11 more transcripts); c.3338_3349delinsC, p.Ser1113fs (NM_001407653.1, NM_001407654.1, NM_001407655.1 and 4 more transcripts); c.3335_3346delinsC, p.Ser1112fs (NM_001407659.1, NM_001407660.1, NM_001407661.1 and 1 more transcripts); and 42 more; short protein forms S1092fs, S1139fs, S1012fs, S1091fs, S843fs, S1027fs, S1069fs, S1136fs.
Identifiers: ClinVar variation 266369 (VCV000266369.6), dbSNP rs886040128, ClinGen allele CA10589753.

ClinVar aggregate classification (germline): Pathogenic. Review status: reviewed by expert panel (3 of 4 stars). 2 submissions from 2 submitters: Pathogenic (1). 1 of the submissions does not count toward it. Last evaluated 2016-10-18.

Conditions:
Breast-ovarian cancer, familial, susceptibility to, 1 (BROVCA1). Also called: BRCA1 Hereditary Breast and Ovarian Cancer; OVARIAN CANCER, SUSCEPTIBILITY TO. Identifiers: Orphanet 145, MedGen C2676676, MONDO:0011450, OMIM 604370. Disease mechanism: loss of function.

Submissions (2):

Evidence-based Network for the Interpretation of Germline Mutant Alleles (ENIGMA)
Classification: Pathogenic for Breast-ovarian cancer, familial, susceptibility to, 1. Last evaluated: 2016-10-18. Review status: reviewed by expert panel. Criteria: ENIGMA BRCA1/2 Classification Criteria (2015). Collection method: curation. Allele origin: germline.
Comment: Variant allele predicted to encode a truncated non-functional protein.

Consortium of Investigators of Modifiers of BRCA1/2 (CIMBA), c/o University of Cambridge
Classification: Pathogenic for Breast-ovarian cancer, familial, susceptibility to, 1. Last evaluated: 2015-10-02. Review status: criteria provided, single submitter. Criteria: CIMBA Mutation Classification guidelines May 2016. Collection method: clinical testing. Allele origin: germline. Not counted in ClinVar's aggregate classification.